The following is an entry in ClinVar:

ClinVar aggregate classification (germline): Uncertain significance (1 of 4 stars; one submission).

Conditions:
Inborn genetic diseases. Identifiers: MedGen C0950123, MeSH D030342.

Submission:

Ambry Genetics
Classification: Uncertain significance for Inborn genetic diseases. Last evaluated: 2026-06-20. Review status: criteria provided, single submitter. Criteria: Ambry Variant Classification Scheme 2023. Collection method: clinical testing. Allele origin: germline.
Comment: The p.C419F variant (also known as c.1256G>T), located in coding exon 7 of the ERCC6L2 gene, results from a G to T substitution at nucleotide position 1256. The cysteine at codon 419 is replaced by phenylalanine, an amino acid with highly dissimilar properties. This amino acid position is conserved. In addition, this alteration is predicted to be deleterious by in silico analysis. Based on the available evidence, the clinical significance of this variant remains unclear.

NM_020207.7(ERCC6L2):c.1256G>T (p.Cys419Phe)

Gene: ERCC6L2 (ERCC excision repair 6 like 2; plus strand). Cytogenetic location: 9q22.32.
Variant type: single nucleotide variant.
Coding change: c.1256G>T on transcript NM_020207.7 (MANE Select); coding-DNA position 1256, G replaced by T.
Protein change: p.Cys419Phe; replaces cysteine 419 with phenylalanine.
Molecular consequence: missense variant. On other transcripts: non-coding transcript variant (1).
Genome position (GRCh38, 1-based): chr9:95,921,272, G>T. VCF-style: chr9-95921272-G-T. GRCh37 (hg19) VCF-style: chr9-98683554-G-T.
Other names: c.1256G>T, p.Cys419Phe (NM_001010895.4, NM_001375291.1, NM_001375292.1 and 2 more transcripts); short protein forms C419F.
Identifiers: ClinVar variation 5036069 (VCV005036069.1).